The following is an entry in ClinVar:

ClinVar aggregate classification (germline): Uncertain significance (1 of 4 stars; one submission).

Submission:

Labcorp Genetics (formerly Invitae), Labcorp
Classification: Uncertain significance. Last evaluated: 2024-10-01. Review status: criteria provided, single submitter. Criteria: Invitae Variant Classification Sherloc (09022015). Collection method: clinical testing. Allele origin: germline.
Comment: This sequence change replaces leucine, which is neutral and non-polar, with phenylalanine, which is neutral and non-polar, at codon 1287 of the POLE protein (p.Leu1287Phe). This variant is not present in population databases (gnomAD no frequency). This variant has not been reported in the literature in individuals affected with POLE-related conditions. Invitae Evidence Modeling of protein sequence and biophysical properties (such as structural, functional, and spatial information, amino acid conservation, physicochemical variation, residue mobility, and thermodynamic stability) indicates that this missense variant is not expected to disrupt POLE protein function with a negative predictive value of 80%. In summary, the available evidence is currently insufficient to determine the role of this variant in disease. Therefore, it has been classified as a Variant of Uncertain Significance.

NM_006231.4(POLE):c.3859C>T (p.Leu1287Phe)

Gene: POLE (DNA polymerase epsilon, catalytic subunit; minus strand). Cytogenetic location: 12q24.33.
Variant type: single nucleotide variant.
Coding change: c.3859C>T on transcript NM_006231.4 (MANE Select); coding-DNA position 3859, C replaced by T.
Protein change: p.Leu1287Phe; replaces leucine 1287 with phenylalanine.
Molecular consequence: missense variant.
Genome position (GRCh38, 1-based): chr12:132,649,452, G>A on the plus strand (C>T on the coding strand, the complement: POLE is on the minus strand). VCF-style: chr12-132649452-G-A. GRCh37 (hg19) VCF-style: chr12-133226038-G-A.
Other names: short protein forms L1287F.
Identifiers: ClinVar variation 3621907 (VCV003621907.2).
Genomic context (GRCh38, chr12:132,649,452, plus strand): 5'-TGGCCCCGGGCCTGAGCACACCCTCTGCCGACTCCAGACGCTGCCTCTTCCTGCGGGCGA[G>A]GCGCTGCCGGGCCTGCAGCTGCCACTTCTTCTTGTGGAACCGGAGCCAGACAAGCCATTC-3'
Protein context (NP_006222.2, residues 1277-1297): KKWQLQARQR[Leu1287Phe]ARRKRQRLES